The following is an entry in ClinVar:

ClinVar aggregate classification (germline): Likely benign (1 of 4 stars; one submission).

Conditions:
NEK8-related disorder. Also called: NEK8-related condition.

gnomAD v4.1: 1 of 1,613,908 alleles (0.000062%); highest among the groups gnomAD compares: Non-Finnish European, 0.000085%; no homozygotes.

Submission:

PreventionGenetics, part of Exact Sciences
Classification: Likely benign for NEK8-related condition. Last evaluated: 2025-02-05. Review status: criteria provided, single submitter. Criteria: ACMG Guidelines, 2015. Collection method: clinical testing. Allele origin: germline.
Comment: This variant is classified as likely benign based on ACMG/AMP sequence variant interpretation guidelines (Richards et al. 2015 PMID: 25741868, with internal and published modifications).

NM_178170.3(NEK8):c.600G>A (p.Lys200=)

Gene: NEK8 (NIMA related kinase 8; plus strand). Cytogenetic location: 17q11.2.
Variant type: single nucleotide variant.
Coding change: c.600G>A on transcript NM_178170.3 (MANE Select); coding-DNA position 600, G replaced by A.
Protein change: p.Lys200=; no amino-acid change (lysine 200 retained).
Molecular consequence: synonymous variant.
Genome position (GRCh38, 1-based): chr17:28,735,353, G>A. VCF-style: chr17-28735353-G-A. GRCh37 (hg19) VCF-style: chr17-27062371-G-A.
Identifiers: ClinVar variation 4986481 (VCV004986481.1).